The following is an entry in ClinVar:

NM_032237.5(POMK):c.38C>T (p.Ala13Val)

Gene: POMK (protein O-mannose kinase; plus strand). Cytogenetic location: 8p11.21.
Variant type: single nucleotide variant.
Coding change: c.38C>T on transcript NM_032237.5 (MANE Select); coding-DNA position 38, C replaced by T.
Protein change: p.Ala13Val; replaces alanine 13 with valine.
Molecular consequence: missense variant.
Genome position (GRCh38, 1-based): chr8:43,103,586, C>T. VCF-style: chr8-43103586-C-T. GRCh37 (hg19) VCF-style: chr8-42958729-C-T.
Other names: c.38C>T, p.Ala13Val (NM_001277971.2); short protein forms A13V.
Identifiers: ClinVar variation 1312754 (VCV001312754.2), dbSNP rs1295447618, ClinGen allele CA371116631.
Genomic context (GRCh38, chr8:43,103,586, plus strand): 5'-AGGAAATTGCAGAGGCCGTCAACATGGAAAAGCAGCCCCAGAACAGCAGGAGAGGCCTCG[C>T]CCCCCGAGAGGTGCCGCCAGCTGTTGGGCTGCTGCTGATCATGGCCCTGATGAATACTCT-3'
Protein context (NP_115613.1, residues 3-23): KQPQNSRRGL[Ala13Val]PREVPPAVGL

ClinVar aggregate classification (germline): Uncertain significance (1 of 4 stars; one submission).

Allele frequency attached by ClinVar (database versions not stated): gnomAD exomes below 0.00001.

Submission:

GeneDx
Classification: Uncertain significance. Last evaluated: 2020-06-26. Review status: criteria provided, single submitter. Criteria: GeneDx Variant Classification Process June 2021. Collection method: clinical testing. Allele origin: germline. Affected: yes.
Comment: Not observed at a significant frequency in large population cohorts (Lek et al., 2016); In silico analysis supports that this missense variant does not alter protein structure/function; Has not been previously published as pathogenic or benign to our knowledge